The following is an entry in ClinVar:

NM_152743.4(BRAT1):c.1127_1134+11dup

Gene: BRAT1 (BRCA1 associated ATM activator 1; minus strand). Cytogenetic location: 7p22.3.
Variant type: Duplication.
Coding change: c.1127_1134+11dup on transcript NM_152743.4 (MANE Select); coding-DNA position 1127 through 11 bases into the intron after coding-DNA position 1134, 19 bases duplicated (AGCCGCTGGTAGGTGCGGC).
Molecular consequence: splice donor variant.
Genome position (GRCh38, 1-based): chr7:2,541,707-2,541,725, GCCGCACCTACCAGCGGCT duplicated on the plus strand (AGCCGCTGGTAGGTGCGGC on the coding strand, the reverse complement: BRAT1 is on the minus strand); duplicating any 19 consecutive bases within chr7:2,541,707-2,541,727 gives the same sequence; the c. name uses the placement nearest the transcript's 3' end. VCF-style (leftmost placement, unchanged base first): chr7-2541706-G-GGCCGCACCTACCAGCGGCT. GRCh37 (hg19) VCF-style: chr7-2581340-G-GGCCGCACCTACCAGCGGCT.
Other names: c.602_609+11dup (NM_001350627.2); c.1127_1134+11dup (NM_001350626.2).
Identifiers: ClinVar variation 3261436 (VCV003261436.2).

ClinVar aggregate classification (germline): Uncertain significance (1 of 4 stars; one submission).

Conditions:
Inborn genetic diseases. Identifiers: MedGen C0950123, MeSH D030342.

Submission:

Ambry Genetics
Classification: Uncertain significance for Inborn genetic diseases. Last evaluated: 2025-11-05. Review status: criteria provided, single submitter. Criteria: Ambry Variant Classification Scheme 2023. Collection method: clinical testing. Allele origin: germline.
Comment: The c.1127_1134+11dup19 alteration is located in intron 8 of the BRAT1 gene. This alteration consists of a duplication of 19 nucleotides between nucleotide positions c.1127 and c.1134+11. Based on data from gnomAD, the AGCCGCTGGTAGGTGCGGCAGCCGCTGGTAGGTGCGGC allele has an overall frequency of 0.006% (2/31352) total alleles studied. The highest observed frequency was 0.013% (2/15408) of European (non-Finnish) alleles. Based on insufficient or conflicting evidence, the clinical significance of this alteration remains unclear.